The following is an entry in ClinVar:

NM_003742.4(ABCB11):c.2130T>C (p.Pro710=)

Gene: ABCB11 (ATP binding cassette subfamily B member 11; minus strand). Cytogenetic location: 2q31.1.
Variant type: single nucleotide variant.
Coding change: c.2130T>C on transcript NM_003742.4 (MANE Select); coding-DNA position 2130, T replaced by C.
Protein change: p.Pro710=; no amino-acid change (proline 710 retained).
Molecular consequence: synonymous variant.
Genome position (GRCh38, 1-based): chr2:168,964,254, A>G on the plus strand (T>C on the coding strand, the complement: ABCB11 is on the minus strand). VCF-style: chr2-168964254-A-G. GRCh37 (hg19) VCF-style: chr2-169820764-A-G.
Identifiers: ClinVar variation 1636974 (VCV001636974.9), dbSNP rs1319784595, ClinGen allele CA429913919.

ClinVar aggregate classification (germline): Likely benign. Review status: criteria provided, multiple submitters, no conflicts (2 of 4 stars). 2 submissions from 2 submitters: Likely benign (2). Last evaluated 2026-04-14.

Conditions:
Familial intrahepatic cholestasis. Identifiers: Orphanet 284385, MedGen CN296401, MONDO:0017290.

Allele frequency attached by ClinVar (database versions not stated): gnomAD exomes below 0.00001 and 0.00001.
gnomAD v4.1: 2 of 1,570,738 alleles (0.00013%); highest among the groups gnomAD compares: South Asian, 0.0012%; no homozygotes.

Submissions (2):

Genomenon, Inc
Classification: Likely benign for Familial intrahepatic cholestasis. Last evaluated: 2026-04-14. Review status: criteria provided, single submitter. Criteria: Genomenon Sequence Variant Interpretation Standards - Updated. Collection method: curation. Allele origin: germline. Affected: no.
Comment: ABCB11 c.2130T>C is a synonymous variant that retains Proline at residue 710. This variant has been reported in the published literature (PMID:19101985;31341876;22795478). At least one splicing study demonstrated no effect on splicing (PMID:19101985). It is absent or not present at a significant frequency in gnomAD. This synonymous variant is not predicted to impact splicing. In conclusion, we classify ABCB11 p.Pro710= (c.2130T>C) as a likely benign variant.

Labcorp Genetics (formerly Invitae), Labcorp
Classification: Likely benign. Last evaluated: 2022-06-10. Review status: criteria provided, single submitter. Criteria: Invitae Variant Classification Sherloc (09022015). Collection method: clinical testing. Allele origin: germline.

Literature cited by the submitters: PubMed 19101985 (cited by Genomenon, Inc); PubMed 31341876 (cited by Genomenon, Inc); PubMed 22795478 (cited by Genomenon, Inc).